The following is an entry in ClinVar:

ClinVar aggregate classification (germline): Likely benign. Review status: criteria provided, multiple submitters, no conflicts (2 of 4 stars). 4 submissions from 4 submitters: Likely benign (4). Last evaluated 2026-01-05.

Conditions:
Bethlem myopathy 1A. Also called: MYOPATHY, BENIGN CONGENITAL, WITH CONTRACTURES; Bethlem myopathy 1; Bethlem Muscular Dystrophy. Identifiers: Orphanet 610, MedGen CN029274, MONDO:0024530, OMIM 158810.

Allele frequency attached by ClinVar (database versions not stated): gnomAD 0.00001; TOPMed 0.00004.
gnomAD v4.1: 13 of 1,613,310 alleles (0.00081%); highest among the groups gnomAD compares: Admixed American, 0.012%; no homozygotes.

Submissions (4):

Labcorp Genetics (formerly Invitae), Labcorp
Classification: Likely benign for Bethlem myopathy 1A. Last evaluated: 2026-01-05. Review status: criteria provided, single submitter. Criteria: Invitae Variant Classification Sherloc (09022015). Collection method: clinical testing. Allele origin: germline.

Blueprint Genetics
Classification: Likely benign. Last evaluated: 2022-12-02. Review status: criteria provided, single submitter. Criteria: ACMG Guidelines, 2015. Collection method: clinical testing. Allele origin: germline.

GeneDx
Classification: Likely benign. Last evaluated: 2017-05-12. Review status: criteria provided, single submitter. Criteria: GeneDx Variant Classification (06012015). Collection method: clinical testing. Allele origin: germline. Affected: yes.
Comment: This variant is considered likely benign or benign based on one or more of the following criteria: it is a conservative change, it occurs at a poorly conserved position in the protein, it is predicted to be benign by multiple in silico algorithms, and/or has population frequency not consistent with disease.

PreventionGenetics, part of Exact Sciences
Classification: Likely benign. Review status: criteria provided, single submitter. Criteria: ACMG Guidelines, 2015. Collection method: clinical testing. Allele origin: germline.

NM_001849.4(COL6A2):c.2461+11G>A

Gene: COL6A2 (collagen type VI alpha 2 chain; plus strand). Cytogenetic location: 21q22.3.
Variant type: single nucleotide variant.
Coding change: c.2461+11G>A on transcript NM_001849.4 (MANE Select); 11 bases into the intron after coding-DNA position 2461, G replaced by A.
Molecular consequence: intron variant.
Genome position (GRCh38, 1-based): chr21:46,126,552, G>A. VCF-style: chr21-46126552-G-A. GRCh37 (hg19) VCF-style: chr21-47546466-G-A.
Other names: c.2461+11G>A (NM_058175.3, NM_058174.3).
Identifiers: ClinVar variation 258326 (VCV000258326.10), dbSNP rs200484565, ClinGen allele CA10072636.